The following is an entry in ClinVar:

ClinVar aggregate classification (germline): Uncertain significance. Review status: criteria provided, multiple submitters, no conflicts (2 of 4 stars). 2 submissions from 2 submitters: Uncertain significance (2). Last evaluated 2024-08-29.

Conditions:
Tuberous sclerosis 2 (TSC2). Identifiers: Orphanet 805, MedGen C1860707, MONDO:0013199, OMIM 613254.
Isolated focal cortical dysplasia type II (FCORD2). Also called: Focal cortical dysplasia type II; CORTICAL DYSPLASIA OF TAYLOR. Identifiers: Orphanet 268994, MedGen C1846385, MONDO:0011818, OMIM 607341, HP:0032051.
Lymphangiomyomatosis (LAM). Also called: Lymphangioleiomyomatosis, somatic; Lymphangioleiomyomatosis. Identifiers: Orphanet 538, MedGen C0751674, MONDO:0011705, OMIM 606690.

Submissions (2):

Labcorp Genetics (formerly Invitae), Labcorp
Classification: Uncertain significance for Tuberous sclerosis 2. Last evaluated: 2024-08-29. Review status: criteria provided, single submitter. Criteria: Invitae Variant Classification Sherloc (09022015). Collection method: clinical testing. Allele origin: germline.
Comment: This sequence change replaces asparagine, which is neutral and polar, with threonine, which is neutral and polar, at codon 1522 of the TSC2 protein (p.Asn1522Thr). This variant is not present in population databases (gnomAD no frequency). This variant has not been reported in the literature in individuals affected with TSC2-related conditions. ClinVar contains an entry for this variant (Variation ID: 1057393). Invitae Evidence Modeling of protein sequence and biophysical properties (such as structural, functional, and spatial information, amino acid conservation, physicochemical variation, residue mobility, and thermodynamic stability) indicates that this missense variant is not expected to disrupt TSC2 protein function with a negative predictive value of 95%. In summary, the available evidence is currently insufficient to determine the role of this variant in disease. Therefore, it has been classified as a Variant of Uncertain Significance.

Fulgent Genetics
Classification: Uncertain significance for Lymphangiomyomatosis; Isolated focal cortical dysplasia type II; Tuberous sclerosis 2. Last evaluated: 2022-05-05. Review status: criteria provided, single submitter. Criteria: ACMG Guidelines, 2015. Collection method: clinical testing. Allele origin: unknown.

NM_000548.5(TSC2):c.4565A>C (p.Asn1522Thr)

Gene: TSC2 (TSC complex subunit 2; plus strand). Cytogenetic location: 16p13.3.
Variant type: single nucleotide variant.
Coding change: c.4565A>C on transcript NM_000548.5 (MANE Select); coding-DNA position 4565, A replaced by C.
Protein change: p.Asn1522Thr; replaces asparagine 1522 with threonine.
Molecular consequence: missense variant.
Genome position (GRCh38, 1-based): chr16:2,085,022, A>C. VCF-style: chr16-2085022-A-C. GRCh37 (hg19) VCF-style: chr16-2135023-A-C.
Other names: c.4364A>C, p.Asn1455Thr (NM_001077183.3); c.4496A>C, p.Asn1499Thr (NM_001114382.3); c.4256A>C, p.Asn1419Thr (NM_001318827.2); c.4220A>C, p.Asn1407Thr (NM_001318829.2); c.3833A>C, p.Asn1278Thr (NM_001318831.2); c.4397A>C, p.Asn1466Thr (NM_001318832.2); c.4367A>C, p.Asn1456Thr (NM_001363528.2); c.4433A>C, p.Asn1478Thr (NM_001370404.1); and 1 more; short protein forms N1278T, N1407T, N1419T, N1455T, N1456T, N1466T, N1478T, N1479T.
Identifiers: ClinVar variation 1057393 (VCV001057393.13), dbSNP rs144062721, ClinGen allele CA394303074.